The following is an entry in ClinVar:

ClinVar aggregate classification (germline): Likely pathogenic (1 of 4 stars; one submission).

Conditions:
COL4A5-related disorder. Also called: COL4A5-related condition.

Submission:

PreventionGenetics, part of Exact Sciences
Classification: Likely pathogenic for COL4A5-related condition. Last evaluated: 2026-03-02. Review status: criteria provided, single submitter. Criteria: ACMG Guidelines, 2015. Collection method: clinical testing. Allele origin: germline.
Comment: The COL4A5 c.4262G>A variant is predicted to result in the amino acid substitution p.Gly1421Glu. To our knowledge, this variant has not been reported in the literature or in a large population database (gnomAD), indicating this variant is rare. The p.Gly1421 residue resides in the triple-helical region (residues 42 – 1456) of the COL4A5 protein, where substitutions of the glycine (Gly) residue are usually pathogenic (Hudson et al. 1993. PubMed ID: 8253711). Of note, a different rare substitution at the same codon, defined as c.4261G>T (p.Gly1421Trp), has been reported in an individual with Alport syndrome (Renieri et al. 1996. PubMed ID: 8651296). In addition, at other glycine (Gly) residues within this domain, substitutions of a glycine (Gly) with a glutamic acid (Glu) have been widely reported to be pathogenic for X-linked Alport syndrome (see for example, c.4271G>A, p.Gly1424Glu in Zhang et al. 2008. PubMed ID: 18373399; c.4154G>A, p.Gly1385Glu in Table S3 of Di et al. 2022. PubMed ID: 35020912). This c.4262G>A (p.Gly1421Glu) variant is interpreted as likely pathogenic.

NM_033380.3(COL4A5):c.4280G>A (p.Gly1427Glu)

Gene: COL4A5 (collagen type IV alpha 5 chain; plus strand). Cytogenetic location: Xq22.3.
Variant type: single nucleotide variant.
Coding change: c.4280G>A on transcript NM_033380.3 (MANE Select); coding-DNA position 4280, G replaced by A.
Protein change: p.Gly1427Glu; replaces glycine 1427 with glutamic acid.
Molecular consequence: missense variant.
Genome position (GRCh38, 1-based): chrX:108,686,094, G>A. VCF-style: chrX-108686094-G-A. GRCh37 (hg19) VCF-style: chrX-107929324-G-A.
Other names: c.4262G>A, p.Gly1421Glu (NM_000495.5); short protein forms G1421E, G1427E.
Identifiers: ClinVar variation 4993858 (VCV004993858.1).
Genomic context (GRCh38, chrX:108,686,094, plus strand): 5'-CAACTGGCCCTCCAGGAGATCCTGGACGCAATGGACTCCCTGGCTTTGATGGTGCAGGAG[G>A]GCGCAAAGGAGACCCAGGTCTGCCAGGACAGCCAGGTAAGACAAGTAAAACATGCTGTTG-3'
Protein context (NP_203699.1, residues 1417-1437): NGLPGFDGAG[Gly1427Glu]RKGDPGLPGQ